The following is an entry in ClinVar:

NM_001482.3(GATM):c.1151A>G (p.Glu384Gly)

Gene: GATM (glycine amidinotransferase; minus strand). Cytogenetic location: 15q21.1.
Variant type: single nucleotide variant.
Coding change: c.1151A>G on transcript NM_001482.3 (MANE Select); coding-DNA position 1151, A replaced by G.
Protein change: p.Glu384Gly; replaces glutamic acid 384 with glycine.
Molecular consequence: missense variant.
Genome position (GRCh38, 1-based): chr15:45,363,908, T>C on the plus strand (A>G on the coding strand, the complement: GATM is on the minus strand). VCF-style: chr15-45363908-T-C. GRCh37 (hg19) VCF-style: chr15-45656106-T-C.
Other names: p.E384G:GAA>GGA; c.764A>G, p.Glu255Gly (NM_001321015.2); short protein forms E384G, E255G.
Identifiers: ClinVar variation 205619 (VCV000205619.2), dbSNP rs796052536, ClinGen allele CA314880.

ClinVar aggregate classification (germline): Uncertain significance (1 of 4 stars; one submission).

Submission:

GeneDx
Classification: Uncertain significance. Last evaluated: 2012-09-12. Review status: criteria provided, single submitter. Criteria: GeneDx Variant Classification (06012015). Collection method: clinical testing. Allele origin: germline. Affected: yes.
Comment: p.Glu384Gly (GAA>GGA):c.1151 A>G in exon 8 of the GATM gene (NM_001482.2). The Glu384Gly missense change has not been published as a mutation, nor has it been reported as a benign polymorphism to our knowledge. The NHLBI ESP Exome Variant Project has not identified Glu384Gly in approximately 6,500 individuals of European or African American ethnicity, indicating that it is not a common benign variant in these populations. This amino acid substitution is non-conservative, as a negatively charged Glutamic acid codon is replaced by an uncharged, non-polar Glycine codon. Glu384Gly alters a highly conserved position in the protein, and multiple in silico algorithms predict it may be damaging to protein structure/function. However, missense mutations have not been reported in this region of the protein. Therefore, based on the currently available information, it is unclear whether Glu384Gly is a disease-causing mutation or a rare benign variant. The variant is found in EPILEPSY panel(s).